The following is an entry in ClinVar:

ClinVar aggregate classification (germline): Uncertain significance (1 of 4 stars; one submission).

Submission:

Labcorp Genetics (formerly Invitae), Labcorp
Classification: Uncertain significance. Last evaluated: 2021-09-03. Review status: criteria provided, single submitter. Criteria: Invitae Variant Classification Sherloc (09022015). Collection method: clinical testing. Allele origin: germline.
Comment: Algorithms developed to predict the effect of sequence changes on RNA splicing suggest that this variant may disrupt the consensus splice site. In summary, the available evidence is currently insufficient to determine the role of this variant in disease. Therefore, it has been classified as a Variant of Uncertain Significance. This variant has not been reported in the literature in individuals affected with RDH5-related conditions. This sequence change falls in intron 3 of the RDH5 gene. It does not directly change the encoded amino acid sequence of the RDH5 protein. This variant is not present in population databases (ExAC no frequency).

NM_002905.5(RDH5):c.570-9C>G

Genes: BLOC1S1-RDH5 (BLOC1S1-RDH5 readthrough; plus strand), CD63 (CD63 molecule; minus strand), RDH5 (retinol dehydrogenase 5; plus strand). Cytogenetic location: 12q13.2.
Variant type: single nucleotide variant.
Coding change: c.570-9C>G on transcript NM_002905.5 (MANE Select); 9 bases into the intron before coding-DNA position 570, C replaced by G.
Molecular consequence: intron variant.
Genome position (GRCh38, 1-based): chr12:55,723,877, C>G. VCF-style: chr12-55723877-C-G. GRCh37 (hg19) VCF-style: chr12-56117661-C-G.
Other names: c.570-9C>G (NM_001199771.3).
Identifiers: ClinVar variation 1379329 (VCV001379329.6), dbSNP rs556112230, ClinGen allele CA237594774.